The following is an entry in ClinVar:

ClinVar aggregate classification (germline): Uncertain significance (1 of 4 stars; one submission).

Submission:

GeneDx
Classification: Uncertain significance. Last evaluated: 2023-01-25. Review status: criteria provided, single submitter. Criteria: GeneDx Variant Classification Process June 2021. Collection method: clinical testing. Allele origin: germline. Affected: yes.
Comment: Not observed at significant frequency in large population cohorts (gnomAD); In silico analysis supports that this missense variant has a deleterious effect on protein structure/function; Has not been previously published as pathogenic or benign to our knowledge

NM_001510.4(GRID2):c.1945A>T (p.Thr649Ser)

Gene: GRID2 (glutamate ionotropic receptor delta type subunit 2; plus strand). Cytogenetic location: 4q22.2.
Variant type: single nucleotide variant.
Coding change: c.1945A>T on transcript NM_001510.4 (MANE Select); coding-DNA position 1945, A replaced by T.
Protein change: p.Thr649Ser; replaces threonine 649 with serine.
Molecular consequence: missense variant.
Genome position (GRCh38, 1-based): chr4:93,490,725, A>T. VCF-style: chr4-93490725-A-T. GRCh37 (hg19) VCF-style: chr4-94411876-A-T.
Other names: c.1660A>T, p.Thr554Ser (NM_001286838.1); short protein forms T554S, T649S.
Identifiers: ClinVar variation 2574317 (VCV002574317.1), dbSNP rs2546697844, ClinGen allele CA357724775.
Genomic context (GRCh38, chr4:93,490,725, plus strand): 5'-GCTACCCGAATGATGATGGGGGCTTGGTGGCTATTTGCTTTGATTGTTATCTCATCTTAC[A>T]CGGCAAACCTCGCTGCTTTCCTCACTATTACACGCATTGAAAGTTCCATCCAGTAAGTAA-3'
Protein context (NP_001501.2, residues 639-659): LFALIVISSY[Thr649Ser]ANLAAFLTIT